The following is an entry in ClinVar:

ClinVar aggregate classification (germline): Likely benign. Review status: criteria provided, single submitter (1 of 4 stars). 2 submissions from 2 submitters: Likely benign (1). 1 of the submissions does not count toward it. Last evaluated 2024-12-12.

Conditions:
TRIP13-related disorder. Also called: TRIP13-related condition.

Allele frequency attached by ClinVar (database versions not stated): gnomAD exomes 0.00002 and 0.00006; ExAC 0.00006; TOPMed 0.00011; gnomAD 0.00013; ESP Exome Variant Server 0.00015.
gnomAD v4.1: 58 of 1,613,166 alleles (0.0036%); highest among the groups gnomAD compares: African/African-American, 0.036%; no homozygotes.

Submissions (2):

Labcorp Genetics (formerly Invitae), Labcorp
Classification: Likely benign. Last evaluated: 2024-12-12. Review status: criteria provided, single submitter. Criteria: Invitae Variant Classification Sherloc (09022015). Collection method: clinical testing. Allele origin: germline.

PreventionGenetics, part of Exact Sciences
Classification: Likely benign for TRIP13-related condition. Last evaluated: 2024-08-04. Review status: no assertion criteria provided. Collection method: clinical testing. Allele origin: germline. Not counted in ClinVar's aggregate classification.
Comment: This variant is classified as likely benign based on ACMG/AMP sequence variant interpretation guidelines (Richards et al. 2015 PMID: 25741868, with internal and published modifications).

NM_004237.4(TRIP13):c.798G>A (p.Ala266=)

Gene: TRIP13 (thyroid hormone receptor interactor 13; plus strand). Cytogenetic location: 5p15.33.
Variant type: single nucleotide variant.
Coding change: c.798G>A on transcript NM_004237.4 (MANE Select); coding-DNA position 798, G replaced by A.
Protein change: p.Ala266=; no amino-acid change (alanine 266 retained).
Molecular consequence: synonymous variant.
Genome position (GRCh38, 1-based): chr5:908,393, G>A. VCF-style: chr5-908393-G-A. GRCh37 (hg19) VCF-style: chr5-908508-G-A.
Other names: c.798G>A, p.Ala266= (NM_001166260.2).
Identifiers: ClinVar variation 755598 (VCV000755598.7), dbSNP rs143998019, ClinGen allele CA3179995.